The following is an entry in ClinVar:

ClinVar aggregate classification (germline): Conflicting classifications of pathogenicity. Review status: criteria provided, conflicting classifications (1 of 4 stars). 6 submissions from 6 submitters: Uncertain significance (2); Likely benign (3). 1 of the submissions does not count toward it. Last evaluated 2026-06-16.

Conditions:
PEX5-related disorder. Also called: PEX5-related condition; PEX5-Related Disorders.
Fetal anomalies with a likely genetic cause.
Peroxisome biogenesis disorder 2B (PBD2B). Identifiers: Orphanet 44, MedGen C3550234, MONDO:0008736, OMIM 202370.

Submissions (6):

Genetics Laboratory, Great Ormond Street Hospital NHS Foundation Trust, North Thames Genomic Laboratory Hub
Classification: Uncertain significance for Fetal anomalies with a likely genetic cause. Last evaluated: 2026-06-16. Review status: criteria provided, single submitter. Criteria: ACGS Best Practice Guidelines for Variant Classification in Rare Disease 2024 v1.2. Collection method: clinical testing. Allele origin: germline. Affected: yes.
Comment: PVS1_very-strong

Labcorp Genetics (formerly Invitae), Labcorp
Classification: Likely benign for Peroxisome biogenesis disorder 2B. Last evaluated: 2026-02-03. Review status: criteria provided, single submitter. Criteria: Invitae Variant Classification Sherloc (09022015). Collection method: clinical testing. Allele origin: germline.

Blueprint Genetics
Classification: Likely benign. Last evaluated: 2024-11-08. Review status: criteria provided, single submitter. Criteria: ACMG Guidelines, 2015. Collection method: clinical testing. Allele origin: germline.

Mayo Clinic Laboratories, Mayo Clinic
Classification: Likely benign. Last evaluated: 2024-10-09. Review status: criteria provided, single submitter. Criteria: ACMG Guidelines, 2015. Collection method: clinical testing. Allele origin: germline. Observed: 3 variant alleles.
Comment: BS1, BP4, BP7

GeneDx
Classification: Uncertain significance. Last evaluated: 2022-01-14. Review status: criteria provided, single submitter. Criteria: GeneDx Variant Classification Process June 2021. Collection method: clinical testing. Allele origin: germline. Affected: yes.
Comment: Has not been previously published as pathogenic or benign to our knowledge; Canonical splice site variant with an unclear effect on protein function

PreventionGenetics, part of Exact Sciences
Classification: Likely benign for PEX5-related condition. Last evaluated: 2021-03-16. Review status: no assertion criteria provided. Collection method: clinical testing. Allele origin: germline. Not counted in ClinVar's aggregate classification.
Comment: This variant is classified as likely benign based on ACMG/AMP sequence variant interpretation guidelines (Richards et al. 2015 PMID: 25741868, with internal and published modifications).

NM_001351132.2(PEX5):c.147+32_147+121del

Gene: PEX5 (peroxisomal biogenesis factor 5; plus strand). Cytogenetic location: 12p13.31.
Variant type: Deletion.
Coding change: c.147+32_147+121del on transcript NM_001351132.2 (MANE Select); bases 32 to 121 of the intron after coding-DNA position 147, 90 bases deleted.
Molecular consequence: splice donor variant.
Genome position (GRCh38, 1-based): chr12:7,190,556-7,190,645, 90 bases deleted. GRCh37 (hg19): chr12:7,343,152-7,343,241.
Other names: c.179_192+76del (NM_001131023.1, NM_001351135.3, NM_001131023.2 and 1 more transcripts); c.147+32_147+121del (NM_001351124.3, NM_001131026.2, NM_001351131.2 and 19 more transcripts); c.147_147+89del90 (NM_001131025.1).
Identifiers: ClinVar variation 1115140 (VCV001115140.16), ClinGen allele CA6426007.